The following is an entry in ClinVar:

NM_004181.5(UCHL1):c.527-5T>C

Gene: UCHL1 (ubiquitin C-terminal hydrolase L1; plus strand). Cytogenetic location: 4p13.
Variant type: single nucleotide variant.
Coding change: c.527-5T>C on transcript NM_004181.5 (MANE Select); 5 bases into the intron before coding-DNA position 527, T replaced by C.
Molecular consequence: intron variant.
Genome position (GRCh38, 1-based): chr4:41,264,098, T>C. VCF-style: chr4-41264098-T-C. GRCh37 (hg19) VCF-style: chr4-41266115-T-C.
Identifiers: ClinVar variation 4768683 (VCV004768683.1).
Genomic context (GRCh38, chr4:41,264,098, plus strand): 5'-CTAGGTAAGCACGGTAGCCAGAAAACATGCAGAGAAAATTGACATGCCTGGCTTCTTTGT[T>C]ACAGATGGACGAATGCCTTTTCCGGTGAACCATGGCGCCAGTTCAGAGGACACCCTGCTG-3'

ClinVar aggregate classification (germline): Uncertain significance (1 of 4 stars; one submission).

Submission:

Labcorp Genetics (formerly Invitae), Labcorp
Classification: Uncertain significance. Last evaluated: 2025-12-01. Review status: criteria provided, single submitter. Criteria: Invitae Variant Classification Sherloc (09022015). Collection method: clinical testing. Allele origin: germline.
Comment: This sequence change falls in intron 7 of the UCHL1 gene. It does not directly change the encoded amino acid sequence of the UCHL1 protein. This variant is not present in population databases (gnomAD no frequency). This variant has not been reported in the literature in individuals affected with UCHL1-related conditions. Algorithms developed to predict the effect of sequence changes on RNA splicing suggest that this variant may disrupt the consensus splice site. In summary, the available evidence is currently insufficient to determine the role of this variant in disease. Therefore, it has been classified as a Variant of Uncertain Significance.